The following is an entry in ClinVar:

NM_001008537.3(NEXMIF):c.3703G>A (p.Glu1235Lys)

Gene: NEXMIF (neurite extension and migration factor; minus strand). Cytogenetic location: Xq13.3.
Variant type: single nucleotide variant.
Coding change: c.3703G>A on transcript NM_001008537.3 (MANE Select); coding-DNA position 3703, G replaced by A.
Protein change: p.Glu1235Lys; replaces glutamic acid 1235 with lysine.
Molecular consequence: missense variant.
Genome position (GRCh38, 1-based): chrX:74,740,854, C>T on the plus strand (G>A on the coding strand, the complement: NEXMIF is on the minus strand). VCF-style: chrX-74740854-C-T. GRCh37 (hg19) VCF-style: chrX-73960689-C-T.
Other names: c.3703G>A (NM_001008537.2); short protein forms E1235K.
Identifiers: ClinVar variation 424180 (VCV000424180.8), dbSNP rs778573611, ClinGen allele CA10454918.
Genomic context (GRCh38, chrX:74,740,854, plus strand): 5'-CAGTGGAGGATATGGTGTTGGTTTGGCTTCCCCCACGGCCAATGCCAATTTGCATTTTCT[C>T]TCCATTGATGGCAGCCATGTATTTCCCTTTCTTTGTGGACTTAGGGACCTGGCGGGAGTT-3'
Protein context (NP_001008537.1, residues 1225-1245): KGKYMAAING[Glu1235Lys]KMQIGIGRGG

ClinVar aggregate classification (germline): Uncertain significance. Review status: criteria provided, multiple submitters, no conflicts (2 of 4 stars). 3 submissions from 3 submitters: Uncertain significance (3). Last evaluated 2025-03-31.

Allele frequency attached by ClinVar (database versions not stated): gnomAD exomes below 0.00001 and 0.00001; ExAC 0.00001; TOPMed 0.00001.
gnomAD v4.1: 4 of 1,212,149 alleles (0.00033%); highest among the groups gnomAD compares: South Asian, 0.0018%; no homozygotes.

Submissions (3):

Labcorp Genetics (formerly Invitae), Labcorp
Classification: Uncertain significance. Last evaluated: 2025-03-31. Review status: criteria provided, single submitter. Criteria: Invitae Variant Classification Sherloc (09022015). Collection method: clinical testing. Allele origin: germline.
Comment: This sequence change replaces glutamic acid, which is acidic and polar, with lysine, which is basic and polar, at codon 1235 of the NEXMIF protein (p.Glu1235Lys). This variant is present in population databases (rs778573611, gnomAD 0.005%), including at least one homozygous and/or hemizygous individual. This variant has not been reported in the literature in individuals affected with NEXMIF-related conditions. ClinVar contains an entry for this variant (Variation ID: 424180). An algorithm developed to predict the effect of missense changes on protein structure and function (PolyPhen-2) suggests that this variant is likely to be tolerated. In summary, the available evidence is currently insufficient to determine the role of this variant in disease. Therefore, it has been classified as a Variant of Uncertain Significance.

Ambry Genetics
Classification: Uncertain significance. Last evaluated: 2021-03-02. Review status: criteria provided, single submitter. Criteria: Ambry Variant Classification Scheme 2023. Collection method: clinical testing. Allele origin: germline.
Comment: The c.3703G>A (p.E1235K) alteration is located in exon 3 (coding exon 2) of the KIAA2022 gene. This alteration results from a G to A substitution at nucleotide position 3703, causing the glutamic acid (E) at amino acid position 1235 to be replaced by a lysine (K). The p.E1235K alteration is predicted to be tolerated by in silico analysis. Based on insufficient or conflicting evidence, the clinical significance of this alteration remains unclear.

GeneDx
Classification: Uncertain significance. Last evaluated: 2017-03-16. Review status: criteria provided, single submitter. Criteria: GeneDx Variant Classification (06012015). Collection method: clinical testing. Allele origin: germline. Affected: yes.
Comment: The E1235K variant in the KIAA2022 gene has not been reported previously as a pathogenic variant, nor as a benign variant, to our knowledge. This variant is not observed in large population cohorts (Lek et al., 2016; 1000 Genomes Consortium et al., 2015; Exome Variant Server). The E1235 variant is a non-conservative amino acid substitution, which is likely to impact secondary protein structure as these residues differ in polarity, charge, size and/or other properties. This substitution occurs at a position that is conserved in mammals. In silico analysis is inconsistent in its predictions as to whether or not the variant is damaging to the protein structure/function. Based on currently available evidence, we interpret E1235K as a variant of uncertain significance.